The following is an entry in ClinVar:

ClinVar aggregate classification (germline): Uncertain significance (1 of 4 stars; one submission).

Conditions:
Hereditary nonpolyposis colorectal neoplasms. Identifiers: MedGen C0009405, MeSH D003123.

Submission:

Labcorp Genetics (formerly Invitae), Labcorp
Classification: Uncertain significance for Hereditary nonpolyposis colorectal neoplasms. Last evaluated: 2018-11-02. Review status: criteria provided, single submitter. Criteria: Invitae Variant Classification Sherloc (09022015). Collection method: clinical testing. Allele origin: germline.
Comment: In summary, the available evidence is currently insufficient to determine the role of this variant in disease. Therefore, it has been classified as a Variant of Uncertain Significance. Algorithms developed to predict the effect of missense changes on protein structure and function (SIFT, PolyPhen-2, Align-GVGD) all suggest that this variant is likely to be disruptive, but these predictions have not been confirmed by published functional studies and their clinical significance is uncertain. This variant has not been reported in the literature in individuals with MSH6-related disease. This variant is not present in population databases (ExAC no frequency). This sequence change replaces leucine with arginine at codon 617 of the MSH6 protein (p.Leu617Arg). The leucine residue is moderately conserved and there is a moderate physicochemical difference between leucine and arginine.

NM_000179.3(MSH6):c.1850T>G (p.Leu617Arg)

Gene: MSH6 (mutS homolog 6; plus strand). Cytogenetic location: 2p16.3.
Variant type: single nucleotide variant.
Coding change: c.1850T>G on transcript NM_000179.3 (MANE Select); coding-DNA position 1850, T replaced by G.
Protein change: p.Leu617Arg; replaces leucine 617 with arginine.
Molecular consequence: missense variant.
Genome position (GRCh38, 1-based): chr2:47,799,833, T>G. VCF-style: chr2-47799833-T-G. GRCh37 (hg19) VCF-style: chr2-48026972-T-G.
Other names: c.1460T>G, p.Leu487Arg (NM_001281492.2); c.944T>G, p.Leu315Arg (NM_001281493.2, NM_001281494.2); short protein forms L617R, L487R, L315R.
Identifiers: ClinVar variation 525753 (VCV000525753.10), dbSNP rs1553413228, ClinGen allele CA346749734.